The following is an entry in ClinVar:

ClinVar aggregate classification (germline): Likely pathogenic (1 of 4 stars; one submission).

Submission:

GeneDx
Classification: Likely pathogenic. Last evaluated: 2017-05-09. Review status: criteria provided, single submitter. Criteria: GeneDx Variant Classification (06012015). Collection method: clinical testing. Allele origin: germline. Affected: yes.
Comment: A novel C1095S variant that is likely pathogenic was identified in the FBN1 gene. It has not been published as a pathogenic variant, nor has it been reported as a benign polymorphism to our knowledge. The C1095S variant was not observed in approximately 6500 individuals of European and African American ancestry in the NHLBI Exome Sequencing Project, indicating it is not a common benign variant in these populations. The C1095S variant is a non-conservative amino acid substitution, which is likely to impact secondary protein structure as these residues differ in polarity, charge, size and/or other properties. This substitution occurs at a position that is conserved across species. In silico analysis predicts this variant is probably damaging to the protein structure/function. Missense variants in nearby residues (N1088S, N1088I, P1090S, C1097R) have been reported in the Human Gene Mutation Database in association with Marfan syndrome (Stenson et al., 2014), supporting the functional importance of this region of the protein. Therefore, this variant is a strong candidate for a pathogenic variant, however the possibility that it is a benign variant cannot be excluded.

NM_000138.5(FBN1):c.3283T>A (p.Cys1095Ser)

Gene: FBN1 (fibrillin 1; minus strand). Cytogenetic location: 15q21.1.
Variant type: single nucleotide variant.
Coding change: c.3283T>A on transcript NM_000138.5 (MANE Select); coding-DNA position 3283, T replaced by A.
Protein change: p.Cys1095Ser; replaces cysteine 1095 with serine.
Molecular consequence: missense variant.
Genome position (GRCh38, 1-based): chr15:48,488,167, A>T on the plus strand (T>A on the coding strand, the complement: FBN1 is on the minus strand). VCF-style: chr15-48488167-A-T. GRCh37 (hg19) VCF-style: chr15-48780364-A-T.
Other names: short protein forms C1095S.
Identifiers: ClinVar variation 418194 (VCV000418194.2), dbSNP rs1064793113, ClinGen allele CA16619961.